The following is an entry in ClinVar:

NM_006231.4(POLE):c.4150-17C>T

Gene: POLE (DNA polymerase epsilon, catalytic subunit; minus strand). Cytogenetic location: 12q24.33.
Variant type: single nucleotide variant.
Coding change: c.4150-17C>T on transcript NM_006231.4 (MANE Select); 17 bases into the intron before coding-DNA position 4150, C replaced by T.
Molecular consequence: intron variant.
Genome position (GRCh38, 1-based): chr12:132,643,994, G>A on the plus strand (C>T on the coding strand, the complement: POLE is on the minus strand). VCF-style: chr12-132643994-G-A. GRCh37 (hg19) VCF-style: chr12-133220580-G-A.
Identifiers: ClinVar variation 388025 (VCV000388025.10), dbSNP rs758539843, ClinGen allele CA6892969.
Genomic context (GRCh38, chr12:132,643,994, plus strand): 5'-TAGAGATTGTAGACCATGTTGGAGCGAGGAAGGACCCGATTTACCTGGCGAGAATACGAC[G>A]ATGATCTCGTCACTGGGCGTAAGTGGTAATGTCTGTGGTACACACACAAAGCACACGCTA-3'

ClinVar aggregate classification (germline): Likely benign. Review status: criteria provided, multiple submitters, no conflicts (2 of 4 stars). 4 submissions from 4 submitters: Likely benign (4). Last evaluated 2026-02-03.

Allele frequency attached by ClinVar (database versions not stated): gnomAD exomes 0.00005 and 0.00006; ExAC 0.00006; gnomAD 0.00009 and 0.00010; TOPMed 0.00013.
gnomAD v4.1: 86 of 1,608,546 alleles (0.0053%); highest among the groups gnomAD compares: African/African-American, 0.015%; no homozygotes.

Submissions (4):

Labcorp Genetics (formerly Invitae), Labcorp
Classification: Likely benign. Last evaluated: 2026-02-03. Review status: criteria provided, single submitter. Criteria: Invitae Variant Classification Sherloc (09022015). Collection method: clinical testing. Allele origin: germline.

Blueprint Genetics
Classification: Likely benign. Last evaluated: 2024-10-17. Review status: criteria provided, single submitter. Criteria: ACMG Guidelines, 2015. Collection method: clinical testing. Allele origin: germline.

PreventionGenetics, part of Exact Sciences
Classification: Likely benign. Last evaluated: 2017-07-31. Review status: criteria provided, single submitter. Criteria: ACMG Guidelines, 2015. Collection method: clinical testing. Allele origin: germline.

GeneDx
Classification: Likely benign. Last evaluated: 2017-07-03. Review status: criteria provided, single submitter. Criteria: GeneDx Variant Classification (06012015). Collection method: clinical testing. Allele origin: germline. Affected: yes.
Comment: This variant is considered likely benign or benign based on one or more of the following criteria: it is a conservative change, it occurs at a poorly conserved position in the protein, it is predicted to be benign by multiple in silico algorithms, and/or has population frequency not consistent with disease.